The following is an entry in ClinVar:

ClinVar aggregate classification (germline): Conflicting classifications of pathogenicity. Review status: criteria provided, conflicting classifications (1 of 4 stars). 3 submissions from 3 submitters: Uncertain significance (1); Likely benign (2). Last evaluated 2026-02-02.

Conditions:
Familial sleep-related hypermotor epilepsy. Also called: Autosomal Dominant Sleep-Related Hypermotor (Hyperkinetic) Epilepsy. Identifiers: Orphanet 98784, MedGen C3696898, MONDO:0000030.
Inborn genetic diseases. Identifiers: MedGen C0950123, MeSH D030342.

Allele frequency attached by ClinVar (database versions not stated): gnomAD exomes 0.00001; TOPMed 0.00001; ExAC 0.00001.

Submissions (3):

Labcorp Genetics (formerly Invitae), Labcorp
Classification: Likely benign. Last evaluated: 2026-02-02. Review status: criteria provided, single submitter. Criteria: Invitae Variant Classification Sherloc (09022015). Collection method: clinical testing. Allele origin: germline.

Ambry Genetics
Classification: Uncertain significance for Inborn genetic diseases. Last evaluated: 2025-10-07. Review status: criteria provided, single submitter. Criteria: Ambry Variant Classification Scheme 2023. Collection method: clinical testing. Allele origin: germline.

GeneDx
Classification: Likely benign. Last evaluated: 2018-06-04. Review status: criteria provided, single submitter. Criteria: GeneDx Variant Classification (06012015). Collection method: clinical testing. Allele origin: germline. Affected: yes.
Comment: This variant is considered likely benign or benign based on one or more of the following criteria: it is a conservative change, it occurs at a poorly conserved position in the protein, it is predicted to be benign by multiple in silico algorithms, and/or has population frequency not consistent with disease.

NM_000744.7(CHRNA4):c.1646G>A (p.Arg549His)

Gene: CHRNA4 (cholinergic receptor nicotinic alpha 4 subunit; minus strand). Cytogenetic location: 20q13.33.
Variant type: single nucleotide variant.
Coding change: c.1646G>A on transcript NM_000744.7 (MANE Select); coding-DNA position 1646, G replaced by A.
Protein change: p.Arg549His; replaces arginine 549 with histidine.
Molecular consequence: missense variant. On other transcripts: non-coding transcript variant (1).
Genome position (GRCh38, 1-based): chr20:63,349,765, C>T on the plus strand (G>A on the coding strand, the complement: CHRNA4 is on the minus strand). VCF-style: chr20-63349765-C-T. GRCh37 (hg19) VCF-style: chr20-61981117-C-T.
Other names: c.1118G>A, p.Arg373His (NM_001256573.2); short protein forms R373H, R549H.
Identifiers: ClinVar variation 679837 (VCV000679837.7), dbSNP rs768292011, ClinGen allele CA9957561.
Genomic context (GRCh38, chr20:63,349,765, plus strand): 5'-TCCACCGCCCGGGTCAGGGCCGGCGACAGGGGCAGGTGCGGGGGCGGCGCTTTGGTGCTG[C>T]GGGTCTTGACCGTGGCGCTCGGGGACACCGAAGAGGGCTCCTTCTTGCATGTGCATTTGC-3'
Protein context (NP_000735.1, residues 539-559): SVSPSATVKT[Arg549His]STKAPPPHLP